The following is an entry in ClinVar:

NM_001129.5(AEBP1):c.1336G>A (p.Val446Met)

Gene: AEBP1 (AE binding protein 1; plus strand). Cytogenetic location: 7p13.
Variant type: single nucleotide variant.
Coding change: c.1336G>A on transcript NM_001129.5 (MANE Select); coding-DNA position 1336, G replaced by A.
Protein change: p.Val446Met; replaces valine 446 with methionine.
Molecular consequence: missense variant.
Genome position (GRCh38, 1-based): chr7:44,110,282, G>A. VCF-style: chr7-44110282-G-A. GRCh37 (hg19) VCF-style: chr7-44149881-G-A.
Other names: short protein forms V446M.
Identifiers: ClinVar variation 2192588 (VCV002192588.1), dbSNP rs760068790, ClinGen allele CA4237861.

ClinVar aggregate classification (germline): Uncertain significance (1 of 4 stars; one submission).

Allele frequency attached by ClinVar (database versions not stated): gnomAD 0.00001; gnomAD exomes 0.00001; TOPMed 0.00001; ExAC 0.00002.
gnomAD v4.1: 15 of 1,613,612 alleles (0.00093%); highest among the groups gnomAD compares: Non-Finnish European, 0.0012%; no homozygotes.

Submission:

Labcorp Genetics (formerly Invitae), Labcorp
Classification: Uncertain significance. Last evaluated: 2022-04-29. Review status: criteria provided, single submitter. Criteria: Invitae Variant Classification Sherloc (09022015). Collection method: clinical testing. Allele origin: germline.
Comment: This sequence change replaces valine, which is neutral and non-polar, with methionine, which is neutral and non-polar, at codon 446 of the AEBP1 protein (p.Val446Met). This variant is present in population databases (rs760068790, gnomAD 0.003%). This variant has not been reported in the literature in individuals affected with AEBP1-related conditions. Algorithms developed to predict the effect of missense changes on protein structure and function are either unavailable or do not agree on the potential impact of this missense change (SIFT: "Deleterious"; PolyPhen-2: "Probably Damaging"; Align-GVGD: "Class C0"). In summary, the available evidence is currently insufficient to determine the role of this variant in disease. Therefore, it has been classified as a Variant of Uncertain Significance.